The following is an entry in ClinVar:

NM_001267550.2(TTN):c.86116C>T (p.Arg28706Ter)

Genes: TTN (titin; minus strand), TTN-AS1 (TTN antisense RNA 1; plus strand). Cytogenetic location: 2q31.2.
Variant type: single nucleotide variant.
Coding change: c.86116C>T on transcript NM_001267550.2 (MANE Select); coding-DNA position 86116, C replaced by T.
Protein change: p.Arg28706Ter; replaces arginine 28706 with a stop codon.
Molecular consequence: nonsense.
Genome position (GRCh38, 1-based): chr2:178,560,016, G>A on the plus strand (C>T on the coding strand, the complement: TTN is on the minus strand). VCF-style: chr2-178560016-G-A. GRCh37 (hg19) VCF-style: chr2-179424743-G-A.
Other names: p.R27065*:CGA>TGA; c.81193C>T, p.Arg27065Ter (NM_001256850.1); c.58921C>T, p.Arg19641Ter (NM_003319.4); c.78412C>T, p.Arg26138Ter (NM_133378.4); c.59296C>T, p.Arg19766Ter (NM_133432.3); c.59497C>T, p.Arg19833Ter (NM_133437.4); short protein forms R27065*, R28706*, R26138*, R19641*, R19766*, R19833*.
Identifiers: ClinVar variation 202523 (VCV000202523.21), dbSNP rs794729384, ClinGen allele CA309504.

ClinVar aggregate classification (germline): Pathogenic. Review status: criteria provided, multiple submitters, no conflicts (2 of 4 stars). 6 submissions from 6 submitters: Pathogenic (5). 1 of the submissions does not count toward it. Last evaluated 2026-02-27.

Conditions:
Autosomal recessive titinopathy. Identifiers: MedGen CN315649, MONDO:0100493.
Dilated cardiomyopathy 1G (CMD1G). Identifiers: Orphanet 154, MedGen C1858763, MONDO:0011400, OMIM 604145.
Autosomal recessive limb-girdle muscular dystrophy type 2J (LGMDR10). Also called: MUSCULAR DYSTROPHY, LIMB-GIRDLE, AUTOSOMAL RECESSIVE 10; Limb-girdle muscular dystrophy, type 2J. Identifiers: Orphanet 140922, MedGen C1837342, MONDO:0012127, OMIM 608807.
Cardiovascular phenotype. Identifiers: MedGen CN230736.

Allele frequency attached by ClinVar (database versions not stated): gnomAD exomes below 0.00001; TOPMed 0.00001; gnomAD 0.00001.
gnomAD v4.1: 4 of 1,613,518 alleles (0.00025%); highest among the groups gnomAD compares: Non-Finnish European, 0.000085%; no homozygotes.

Submissions (6):

Women's Health and Genetics/Laboratory Corporation of America, LabCorp
Classification: Pathogenic for Autosomal recessive titinopathy. Last evaluated: 2026-02-27. Review status: criteria provided, single submitter. Criteria: LabCorp Variant Classification Summary - May 2015. Collection method: clinical testing. Allele origin: germline.
Comment: Variant summary: TTN NM_133378:c.78412C>T (p.Arg26138X) (also known as NM_001267550:c.86116C>T (p.Arg28706X) results in a premature termination codon, predicted to cause a truncation of the encoded protein or absence of the protein due to nonsense mediated decay, which are commonly known mechanisms for disease. Loss of function variants in all TTN bands are strongly associated with a spectrum of autosomal recessive titinopathies when exon expression (proportion spliced in, PSI, 1=complete expression) in skeletal muscle is >0.1 (PMID: 36977548, 39198997, 29598826, 32778822, 29691892, 33449170, 36977548, internal data). In contrast, loss of function variants in all TTN bands are only strongly associated with autosomal dominant TTN-related cardiomyopathies if located in exons constitutively expressed (PSI >0.9) in cardiac muscle, excluding extreme C-terminal exons 359-363 (PMID: 25589632, 31216868, 32964742, 34662387, 27869827, Shetty et al., Nat Cardiovasc Res 2024,, internal data). This variant has a maximum skeletal muscle PSI of 0.936 and a maximum cardiac muscle PSI of 1. The variant allele was found at a frequency of 4e-06 in 247344 control chromosomes (gnomAD). c.78412C>T has been observed in individuals affected with Dilated Cardiomyopathy (e.g. Augusto_2019, Nguyen_2021, LabCorp Genetics (formerly Invitae) internal data). These data indicate that the variant may be associated with disease. To our knowledge, no experimental evidence demonstrating an impact on protein function has been reported. The following publications have been ascertained in the context of this evaluation (PMID: 31317183, 34011823). ClinVar contains an entry for this variant (Variation ID: 202523). Based on the evidence outlined above, the variant was classified as pathogenic for both autosomal dominant and autosomal recessive TTN-related conditions.

Labcorp Genetics (formerly Invitae), Labcorp
Classification: Pathogenic for Dilated cardiomyopathy 1G; Autosomal recessive limb-girdle muscular dystrophy type 2J. Last evaluated: 2025-10-19. Review status: criteria provided, single submitter. Criteria: Invitae Variant Classification Sherloc (09022015). Collection method: clinical testing. Allele origin: germline.
Comment: This sequence change creates a premature translational stop signal (p.Arg28706*) in the TTN gene. While this is not anticipated to result in nonsense mediated decay, it is expected to create a truncated TTN protein. This variant is present in population databases (rs794729384, gnomAD 0.01%). This premature translational stop signal has been observed in individuals with clinical features of dilated cardiomyopathy (PMID: 31317183, 34011823; internal data). This variant is also known as c.58921C>T (p.Arg19641*). ClinVar contains an entry for this variant (Variation ID: 202523). This variant is located in the A band of TTN (PMID: 25589632). Truncating variants in this region are significantly overrepresented in patients affected with dilated cardiomyopathy (PMID: 25589632). Truncating variants in this region have also been reported in individuals affected with autosomal recessive centronuclear myopathy (PMID: 23975875). For these reasons, this variant has been classified as Pathogenic.

Ambry Genetics
Classification: Pathogenic for Cardiovascular phenotype. Last evaluated: 2025-05-15. Review status: criteria provided, single submitter. Criteria: Ambry Variant Classification Scheme 2023. Collection method: clinical testing. Allele origin: germline.
Comment: The p.R19641* pathogenic mutation (also known as c.58921C>T), located in coding exon 153 of the TTN gene, results from a C to T substitution at nucleotide position 58921. This changes the amino acid from an arginine to a stop codon within coding exon 153. This exon is located in the A-band region of the N2-B isoform of the titin protein and is constitutively expressed in TTN transcripts (percent spliced in or PSI 100%). This variant (also referred to as p.Arg28706*, c.86116C>T) was reported in individual(s) with features consistent with dilated cardiomyopathy (Augusto JB et al. Eur Heart J Cardiovasc Imaging, 2020 03;21:326-336; Nguyen TV et al. Circ J, 2021 08;85:1469-1478; Ambry internal data). This variant is considered to be rare based on population cohorts in the Genome Aggregation Database (gnomAD). This variant is expected to result in loss of function by premature protein truncation or nonsense-mediated mRNA decay. While truncating variants in TTN are present in 1-3% of the general population, truncating variants in the A-band are the most common cause of dilated cardiomyopathy (Herman DS et al. N. Engl. J. Med., 2012 Feb;366:619-28; Roberts AM et al. Sci Transl Med, 2015 Jan;7:270ra6). TTN truncating variants encoded in constitutive exons (PSI >90%) have been found to be significantly associated with DCM regardless of their position in titin (Schafer S et al. Nat. Genet., 2017 01;49:46-53; Akhtar MM et al. Circ Heart Fail, 2020 Oct;13:e006832; Massier M et al. Clin Genet, 2025 Jan). Based on the supporting evidence, this variant is interpreted as a disease-causing mutation.

GeneDx
Classification: Pathogenic. Last evaluated: 2024-09-27. Review status: criteria provided, single submitter. Criteria: GeneDx Variant Classification Process June 2021. Collection method: clinical testing. Allele origin: germline. Affected: yes.
Comment: Nonsense variant predicted to result in protein truncation or nonsense mediated decay in a gene for which loss of function is a known mechanism of disease; Not observed at significant frequency in large population cohorts (gnomAD); Located in the A-band region of TTN in which the majority of loss of function variants have been associated with autosomal dominant titinopathies (PMID: 22335739); This variant is associated with the following publications: (PMID: 31317183, 37581915, 34011823, 22335739)

Victorian Clinical Genetics Services, Murdoch Childrens Research Institute
Classification: Pathogenic for Dilated cardiomyopathy 1G. Last evaluated: 2022-03-31. Review status: criteria provided, single submitter. Criteria: ACMG Guidelines, 2015. Collection method: clinical testing. Allele origin: germline. Inheritance: Autosomal dominant inheritance. Affected: yes.
Comment: Based on the classification scheme VCGS_Germline_v1.3.4, this variant is classified as Pathogenic. Following criteria are met: 0102 - Loss of function is known mechanism of disease in this gene. In addition, dominant-negative is also a suggested mechanism. (PMID: 25589632). (I) 0108 - This gene is associated with both recessive and dominant disease (OMIM). (I) 0112 - The condition associated with this gene has incomplete penetrance. Variants in this gene that result in a premature truncating codon (PTC) are known to have reduced penetrance in DCM (PMID: 25589632). (I) 0201 - Variant is predicted to cause nonsense-mediated decay (NMD) and loss of protein (premature termination codon is located at least 54 nucleotides upstream of the final exon-exon junction). (SP) 0251 - This variant is heterozygous. (I) 0302 - Variant is present in gnomAD (v2, v3) <0.001 for a dominant condition (1 heterozygote, 0 homozygotes). (SP) 0600 - Variant is located in the annotated C-terminal A-band and the exon has a PSI score of 100 (PMID: 25589632). (I) 0703 - Other NMD-predicted variants comparable to the one identified in this case have moderate previous evidence for pathogenicity (ClinVar). (SP) 0801 - This variant has strong previous evidence of pathogenicity in unrelated individuals. This variant has been classified as pathogenic and likely pathogenic, and observed in at least six unrelated individuals with dilated cardiomyopathy, three individuals with cardiomyopathy and two children with congenital myopathy with another TTN variant in trans (ClinVar personal communication, PMID: 34011823, PMID: 31317183). (SP) 0905 - No published segregation evidence has been identified for this variant. (I) 1007 - No published functional evidence has been identified for this variant. (I) 1208 - Inheritance information for this variant is not currently available in this individual. (I) Legend: (SP) - Supporting pathogenic, (I) - Information, (SB) - Supporting benign

KTest Genetics, KTest
Classification: Pathogenic for Dilated cardiomyopathy 1G. Review status: no assertion criteria provided. Criteria: ACMG Guidelines, 2015. Collection method: clinical testing. Allele origin: germline. Affected: yes. Not counted in ClinVar's aggregate classification.

Literature cited by the submitters: PubMed 34011823 (cited by 4 submitters); PubMed 31317183 (cited by 4 submitters); PubMed 25589632 (cited by Labcorp Genetics (formerly Invitae), Labcorp and Victorian Clinical Genetics Services, Murdoch Childrens Research Institute); PubMed 23975875 (cited by Labcorp Genetics (formerly Invitae), Labcorp).